The following is an entry in ClinVar:

NM_000359.3(TGM1):c.1819CGC[3] (p.Arg608_Thr609insArg)

Gene: TGM1 (transglutaminase 1; minus strand). Cytogenetic location: 14q12.
Variant type: Microsatellite.
Coding change: c.1819CGC[3] on transcript NM_000359.3 (MANE Select); three copies in a row of the 3-base unit CGC starting at c.1819; the reference has two copies in a row; one copy, 3 bases duplicated.
Protein change: p.Arg608_Thr609insArg.
Molecular consequence: inframe insertion.
Genome position (GRCh38, 1-based): chr14:24,255,075-24,255,077, GCG duplicated on the plus strand (CGC on the coding strand, the reverse complement: TGM1 is on the minus strand); duplicating any 3 consecutive bases within chr14:24,255,075-24,255,082 gives the same sequence; the position shown is the placement nearest the transcript's 3' end. VCF-style (leftmost placement, unchanged base first): chr14-24255074-T-TGCG. GRCh37 (hg19) VCF-style: chr14-24724280-T-TGCG.
Identifiers: ClinVar variation 5003876 (VCV005003876.1).

ClinVar aggregate classification (germline): Uncertain significance (1 of 4 stars; one submission).

Conditions:
Autosomal recessive congenital ichthyosis 1 (LI1). Also called: ICHTHYOSIS, CONGENITAL, AUTOSOMAL RECESSIVE 1, WITH BATHING SUIT DISTRIBUTION; ICHTHYOSIS, CONGENITAL, AUTOSOMAL RECESSIVE 1, WITH OR WITHOUT BATHING SUIT DISTRIBUTION; COLLODION FETUS; DESQUAMATION OF NEWBORN; ICHTHYOSIS CONGENITA; ICHTHYOSIS CONGENITA II. Identifiers: MedGen C4551630, MONDO:0009441, OMIM 242300.

Submission:

Myriad Genetics, Inc.
Classification: Uncertain significance for Autosomal recessive congenital ichthyosis 1. Last evaluated: 2025-12-09. Review status: criteria provided, single submitter. Criteria: Myriad Autosomal Dominant, Autosomal Recessive and X-Linked Classification Criteria (2023). Collection method: clinical testing. Allele origin: unknown.
Comment: NM_000359.2(TGM1):c.1822_1824dupCGC(R608dup) is an in-frame insertion classified as a variant of uncertain significance in the context of TGM1-related autosomal recessive congenital ichthyosis. R608dup has not been observed in cases with relevant disease. Relevant functional assessments of this variant are not available in the literature. R608dup has not been observed in referenced population frequency databases. In summary, there is insufficient evidence to classify NM_000359.2(TGM1):c.1822_1824dupCGC(R608dup) as pathogenic or benign. Please note: this variant was assessed in the context of healthy population screening.